The following is an entry in ClinVar:

ClinVar aggregate classification (germline): Uncertain significance (1 of 4 stars; one submission).

gnomAD v4.1: 4 of 1,614,196 alleles (0.00025%); highest among the groups gnomAD compares: East Asian, 0.0067%; no homozygotes.

Submission:

Labcorp Genetics (formerly Invitae), Labcorp
Classification: Uncertain significance. Last evaluated: 2025-11-27. Review status: criteria provided, single submitter. Criteria: Invitae Variant Classification Sherloc (09022015). Collection method: clinical testing. Allele origin: germline.
Comment: This sequence change replaces aspartic acid, which is acidic and polar, with tyrosine, which is neutral and polar, at codon 735 of the CSF1R protein (p.Asp735Tyr). This variant is not present in population databases (gnomAD no frequency). This variant has not been reported in the literature in individuals affected with CSF1R-related conditions. Invitae Evidence Modeling of protein sequence and biophysical properties (such as structural, functional, and spatial information, amino acid conservation, physicochemical variation, residue mobility, and thermodynamic stability) indicates that this missense variant is not expected to disrupt CSF1R protein function with a negative predictive value of 95%. In summary, the available evidence is currently insufficient to determine the role of this variant in disease. Therefore, it has been classified as a Variant of Uncertain Significance.

NM_001288705.3(CSF1R):c.2203G>T (p.Asp735Tyr)

Gene: CSF1R (colony stimulating factor 1 receptor; minus strand). Cytogenetic location: 5q32.
Variant type: single nucleotide variant.
Coding change: c.2203G>T on transcript NM_001288705.3 (MANE Select); coding-DNA position 2203, G replaced by T.
Protein change: p.Asp735Tyr; replaces aspartic acid 735 with tyrosine.
Molecular consequence: missense variant. On other transcripts: non-coding transcript variant (2).
Genome position (GRCh38, 1-based): chr5:150,057,522, C>A on the plus strand (G>T on the coding strand, the complement: CSF1R is on the minus strand). VCF-style: chr5-150057522-C-A. GRCh37 (hg19) VCF-style: chr5-149437085-C-A.
Other names: c.2203G>T, p.Asp735Tyr (NM_001349736.2, NM_001375320.1, NM_005211.4); c.1759G>T, p.Asp587Tyr (NM_001375321.1); short protein forms D587Y, D735Y.
Identifiers: ClinVar variation 4703971 (VCV004703971.1).